The following is an entry in ClinVar:

NM_001365276.2(TNXB):c.3193C>G (p.Leu1065Val)

Gene: TNXB (tenascin XB; minus strand). Cytogenetic location: 6p21.33.
Variant type: single nucleotide variant.
Coding change: c.3193C>G on transcript NM_001365276.2 (MANE Select); coding-DNA position 3193, C replaced by G.
Protein change: p.Leu1065Val; replaces leucine 1065 with valine.
Molecular consequence: missense variant.
Genome position (GRCh38, 1-based): chr6:32,084,665, G>C on the plus strand (C>G on the coding strand, the complement: TNXB is on the minus strand). VCF-style: chr6-32084665-G-C. GRCh37 (hg19) VCF-style: chr6-32052442-G-C.
Other names: c.3934C>G, p.Leu1312Val (NM_001428335.1); c.3193C>G, p.Leu1065Val (NM_019105.8); short protein forms L1312V, L1065V.
Identifiers: ClinVar variation 3971985 (VCV003971985.1).

ClinVar aggregate classification (germline): Uncertain significance (1 of 4 stars; one submission).

Conditions:
Cardiovascular phenotype. Identifiers: MedGen CN230736.

gnomAD v4.1: 5 of 1,593,466 alleles (0.00031%); highest among the groups gnomAD compares: East Asian, 0.011%; no homozygotes.

Submission:

Ambry Genetics
Classification: Uncertain significance for Cardiovascular phenotype. Last evaluated: 2025-03-31. Review status: criteria provided, single submitter. Criteria: Ambry Variant Classification Scheme 2023. Collection method: clinical testing. Allele origin: germline.
Comment: The p.L1065V variant (also known as c.3193C>G), located in coding exon 7 of the TNXB gene, results from a C to G substitution at nucleotide position 3193. The leucine at codon 1065 is replaced by valine, an amino acid with highly similar properties. This amino acid position is conserved. In addition, this alteration is predicted to be tolerated by in silico analysis. Based on the available evidence, the clinical significance of this variant remains unclear.